The following is an entry in ClinVar:

NM_001080467.3(MYO5B):c.2752_2753delinsTA (p.Arg918Tyr)

Gene: MYO5B (myosin VB; minus strand). Cytogenetic location: 18q21.1.
Variant type: Indel.
Coding change: c.2752_2753delinsTA on transcript NM_001080467.3 (MANE Select); coding-DNA positions 2752 to 2753, CG replaced by TA.
Protein change: p.Arg918Tyr; replaces arginine 918 with tyrosine.
Molecular consequence: missense variant.
Genome position (GRCh38, 1-based): chr18:49,902,652-49,902,653, CG replaced by TA on the plus strand (CG replaced by TA on the coding strand, the reverse complement: MYO5B is on the minus strand). VCF-style: chr18-49902652-CG-TA. GRCh37 (hg19) VCF-style: chr18-47429022-CG-TA.
Other names: c.2752_2753delinsTA (NM_001080467.2); short protein forms R918Y.
Identifiers: ClinVar variation 1927517 (VCV001927517.4), dbSNP rs2511276951, ClinGen allele CA2580095793.
Genomic context (GRCh38, chr18:49,902,652, plus strand): 5'-ACCTGCTCATCGATCTTCCGCTGCAGCTGGACCACCTTGTTCTCCATGCCCACGTTGAGA[CG>TA]TTTCAGATGCTCTGCTGAGCGGGCCTCAATCCTGAGGGCCTTCAGCTCCCGCCTGGCCTT-3'
Protein context (NP_001073936.1, residues 908-928): IEARSAEHLK[Arg918Tyr]LNVGMENKVV

ClinVar aggregate classification (germline): Uncertain significance. Review status: criteria provided, multiple submitters, no conflicts (2 of 4 stars). 2 submissions from 2 submitters: Uncertain significance (2). Last evaluated 2026-03-30.

Conditions:
MYO5B-related disorder. Also called: MYO5B-related condition.

Submissions (2):

PreventionGenetics, part of Exact Sciences
Classification: Uncertain significance for MYO5B-related condition. Last evaluated: 2026-03-30. Review status: criteria provided, single submitter. Criteria: ACMG Guidelines, 2015. Collection method: clinical testing. Allele origin: germline.
Comment: The MYO5B c.2752_2753delinsTA variant is predicted to result in an in-frame deletion and insertion. To our knowledge, this variant has not been reported in the literature or in a large population database (gnomAD), indicating this variant is rare. At this time, the clinical significance of this variant is uncertain due to the absence of conclusive functional and genetic evidence.

Labcorp Genetics (formerly Invitae), Labcorp
Classification: Uncertain significance. Last evaluated: 2022-04-09. Review status: criteria provided, single submitter. Criteria: Invitae Variant Classification Sherloc (09022015). Collection method: clinical testing. Allele origin: germline.
Comment: In summary, the available evidence is currently insufficient to determine the role of this variant in disease. Therefore, it has been classified as a Variant of Uncertain Significance. Algorithms developed to predict the effect of missense changes on protein structure and function are either unavailable or do not agree on the potential impact of this missense change (SIFT: "Not Available"; PolyPhen-2: "Possibly Damaging"; Align-GVGD: "Not Available"). This variant has not been reported in the literature in individuals affected with MYO5B-related conditions. Information on the frequency of this variant in the gnomAD database is not available, as this variant may be reported differently in the database. This sequence change replaces arginine, which is basic and polar, with tyrosine, which is neutral and polar, at codon 918 of the MYO5B protein (p.Arg918Tyr).